The following is an entry in ClinVar:

NM_005411.5(SFTPA1):c.649G>A (p.Ala217Thr)

Gene: SFTPA1 (surfactant protein A1; plus strand). Cytogenetic location: 10q22.3.
Variant type: single nucleotide variant.
Coding change: c.649G>A on transcript NM_005411.5 (MANE Select); coding-DNA position 649, G replaced by A.
Protein change: p.Ala217Thr; replaces alanine 217 with threonine.
Molecular consequence: missense variant.
Genome position (GRCh38, 1-based): chr10:79,614,015, G>A. VCF-style: chr10-79614015-G-A. GRCh37 (hg19) VCF-style: chr10-81373771-G-A.
Other names: c.694G>A, p.Ala232Thr (NM_001093770.3); c.649G>A, p.Ala217Thr (NM_001164644.2, NM_001164647.1); c.547G>A, p.Ala183Thr (NM_001164645.2); c.502G>A, p.Ala168Thr (NM_001164646.2); short protein forms A217T, A232T, A168T, A183T.
Identifiers: ClinVar variation 229247 (VCV000229247.5), dbSNP rs876658000, ClinGen allele CA10576826.
Genomic context (GRCh38, chr10:79,614,015, plus strand): 5'-GACTTCCGCTACTCAGACGGGACCCCTGTAAACTACACCAACTGGTACCGAGGGGAGCCC[G>A]CAGGTCGGGGAAAAGAGCAGTGTGTGGAGATGTACACAGATGGGCAGTGGAATGACAGGA-3'
Protein context (NP_005402.3, residues 207-227): NYTNWYRGEP[Ala217Thr]GRGKEQCVEM

ClinVar aggregate classification (germline): Uncertain significance (1 of 4 stars; one submission).

Allele frequency attached by ClinVar (database versions not stated): gnomAD exomes 0.00001 and 0.00005; TOPMed 0.00001; gnomAD 0.00002.

Submission:

Laboratory for Molecular Medicine, Mass General Brigham Personalized Medicine
Classification: Uncertain significance. Last evaluated: 2015-11-11. Review status: criteria provided, single submitter. Criteria: LMM Criteria. Collection method: clinical testing. Allele origin: germline. Observed: 1 variant allele.
Comment: The p.Ala232Thr variant in SFTPA1 has not been previously reported in individual s with pulmonary disease or in large population studies. Alanine (Ala) at positi on 232 is not conserved in evolution, raising the possibility that a change at t his position may be tolerated. Additional computational prediction tools also su ggest that the p.Ala232Thr variant may not impact the protein, though this infor mation is not predictive enough to rule out pathogenicity. In summary, the clini cal significance of the p.Ala232Thr variant is uncertain.